The following is an entry in ClinVar:

NM_014714.4(IFT140):c.2859G>T (p.Lys953Asn)

Genes: IFT140 (intraflagellar transport 140; minus strand), LOC126862260 (CDK7 strongly-dependent group 2 enhancer GRCh37_chr16:1574508-1575707; plus strand). Cytogenetic location: 16p13.3.
Variant type: single nucleotide variant.
Coding change: c.2859G>T on transcript NM_014714.4 (MANE Select); coding-DNA position 2859, G replaced by T.
Protein change: p.Lys953Asn; replaces lysine 953 with asparagine.
Molecular consequence: missense variant.
Genome position (GRCh38, 1-based): chr16:1,525,236, C>A on the plus strand (G>T on the coding strand, the complement: IFT140 is on the minus strand). VCF-style: chr16-1525236-C-A. GRCh37 (hg19) VCF-style: chr16-1575237-C-A.
Other names: short protein forms K953N.
Identifiers: ClinVar variation 1369472 (VCV001369472.8), dbSNP rs2040934250, ClinGen allele CA394226666.
Genomic context (GRCh38, chr16:1,525,236, plus strand): 5'-CCTGCAAACCTCCAGGATGGAGTGCGGTCCCACCAGCCCTGGTGGGGACACTCACTTATC[C>A]TTCATTTTATTCACGTAGAGCTCCAGGGACGGCAGGTCCTCCGACAGCATCCTGGGCACC-3'
Protein context (NP_055529.2, residues 943-963): PSLELYVNKM[Lys953Asn]DKTLWRWWAQ

ClinVar aggregate classification (germline): Uncertain significance (1 of 4 stars; one submission).

Conditions:
Saldino-Mainzer syndrome (SRTD9). Also called: CONORENAL SYNDROME; Renal dysplasia, retinal pigmentary dystrophy, cerebellar ataxia and skeletal dysplasia; SHORT-RIB THORACIC DYSPLASIA 9 WITHOUT POLYDACTYLY; short-rib thoracic dysplasia 9 with or without polydactyly. Identifiers: Orphanet 140969, MedGen C1849437, MONDO:0009964, OMIM 266920.

Allele frequency attached by ClinVar (database versions not stated): TOPMed 0.00001.

Submission:

Labcorp Genetics (formerly Invitae), Labcorp
Classification: Uncertain significance for Saldino-Mainzer syndrome. Last evaluated: 2021-07-24. Review status: criteria provided, single submitter. Criteria: Invitae Variant Classification Sherloc (09022015). Collection method: clinical testing. Allele origin: germline.
Comment: In summary, the available evidence is currently insufficient to determine the role of this variant in disease. Therefore, it has been classified as a Variant of Uncertain Significance. Algorithms developed to predict the effect of missense changes on protein structure and function are either unavailable or do not agree on the potential impact of this missense change (SIFT: "Deleterious"; PolyPhen-2: "Benign"; Align-GVGD: "Class C0"). This variant has not been reported in the literature in individuals affected with IFT140-related conditions. This variant is not present in population databases (ExAC no frequency). This sequence change replaces lysine with asparagine at codon 953 of the IFT140 protein (p.Lys953Asn). The lysine residue is moderately conserved and there is a moderate physicochemical difference between lysine and asparagine.